The following is an entry in ClinVar:

NM_001110556.2(FLNA):c.2134C>T (p.Gln712Ter)

Gene: FLNA (filamin A; minus strand). Cytogenetic location: Xq28.
Variant type: single nucleotide variant.
Coding change: c.2134C>T on transcript NM_001110556.2 (MANE Select); coding-DNA position 2134, C replaced by T.
Protein change: p.Gln712Ter; replaces glutamine 712 with a stop codon.
Molecular consequence: nonsense.
Genome position (GRCh38, 1-based): chrX:154,364,261, G>A on the plus strand (C>T on the coding strand, the complement: FLNA is on the minus strand). VCF-style: chrX-154364261-G-A. GRCh37 (hg19) VCF-style: chrX-153592629-G-A.
Other names: c.2134C>T, p.Gln712Ter (NM_001456.4); short protein forms Q712*.
Identifiers: ClinVar variation 3572882 (VCV003572882.3).
Genomic context (GRCh38, chrX:154,364,261, plus strand): 5'-AGTGCCCAGGCCTGGGTGCCCACACCTGCCCTGCCCCCAACACCCGTGGGTGCTCTACCT[G>A]GACTTGGACCCGAAGTGGGGCCTTGCCACCGTGCTTGGCATCCACTGTGAACTCTGCTGG-3'

ClinVar aggregate classification (germline): Pathogenic (1 of 4 stars; one submission).

Conditions:
Heterotopia, periventricular, X-linked dominant (PVNH1). Also called: PERIVENTRICULAR NODULAR HETEROTOPIA 1; X-linked periventricular heterotopia; PERIVENTRICULAR NODULAR HETEROTOPIA 4; HETEROTOPIA, PERIVENTRICULAR, 1. Identifiers: Orphanet 2149, Orphanet 82004, MedGen C1848213, MONDO:0010233, OMIM 300049.

Submission:

Institute of Human Genetics, University of Leipzig Medical Center
Classification: Pathogenic for Heterotopia, periventricular, X-linked dominant. Last evaluated: 2024-12-04. Review status: criteria provided, single submitter. Criteria: ACMG Guidelines, 2015. Collection method: clinical testing. Allele origin: de novo. Inheritance: X-linked dominant inheritance. Affected: yes.
Comment: Criteria applied: PVS1,PS2,PM2